The following is an entry in ClinVar:

ClinVar aggregate classification (germline): Likely benign. Review status: criteria provided, multiple submitters, no conflicts (2 of 4 stars). 3 submissions from 3 submitters: Likely benign (3). Last evaluated 2026-07-21.

Conditions:
PRPF4-related disorder. Also called: PRPF4-related condition.

Allele frequency attached by ClinVar (database versions not stated): TOPMed 0.00001.

Submissions (3):

PreventionGenetics, part of Exact Sciences
Classification: Likely benign for PRPF4-related condition. Last evaluated: 2026-07-21. Review status: criteria provided, single submitter. Criteria: ACMG Guidelines, 2015. Collection method: clinical testing. Allele origin: germline.
Comment: This variant is classified as likely benign based on ACMG/AMP sequence variant interpretation guidelines (Richards et al. 2015 PMID: 25741868, with internal and published modifications).

Labcorp Genetics (formerly Invitae), Labcorp
Classification: Likely benign. Last evaluated: 2025-10-08. Review status: criteria provided, single submitter. Criteria: Invitae Variant Classification Sherloc (09022015). Collection method: clinical testing. Allele origin: germline.

Blueprint Genetics
Classification: Likely benign. Last evaluated: 2023-10-09. Review status: criteria provided, single submitter. Criteria: ACMG Guidelines, 2015. Collection method: clinical testing. Allele origin: germline.

NM_001244926.2(PRPF4):c.1431G>A (p.Thr477=)

Gene: PRPF4 (pre-mRNA splicing tri-snRNP complex factor PRPF4; plus strand). Cytogenetic location: 9q32.
Variant type: single nucleotide variant.
Coding change: c.1431G>A on transcript NM_001244926.2 (MANE Select); coding-DNA position 1431, G replaced by A.
Protein change: p.Thr477=; no amino-acid change (threonine 477 retained).
Molecular consequence: synonymous variant. On other transcripts: non-coding transcript variant (2).
Genome position (GRCh38, 1-based): chr9:113,291,525, G>A. VCF-style: chr9-113291525-G-A. GRCh37 (hg19) VCF-style: chr9-116053805-G-A.
Other names: c.1434G>A (NM_004697.4); c.705G>A, p.Thr235= (NM_001322266.2, NM_001322267.2); c.1434G>A, p.Thr478= (NM_004697.5).
Identifiers: ClinVar variation 1135189 (VCV001135189.11), dbSNP rs763172502, ClinGen allele CA5195182.